The following is an entry in ClinVar:

ClinVar aggregate classification (germline): Benign (0 of 4 stars; one submission).

Conditions:
ZFHX3-related disorder. Also called: ZFHX3-related condition.

Submission:

PreventionGenetics, part of Exact Sciences
Classification: Benign for ZFHX3-related condition. Last evaluated: 2019-05-13. Review status: no assertion criteria provided. Collection method: clinical testing. Allele origin: germline.
Comment: This variant is classified as benign based on ACMG/AMP sequence variant interpretation guidelines (Richards et al. 2015 PMID: 25741868, with internal and published modifications).

NM_006885.4(ZFHX3):c.5194CAA[9] (p.Gln1741del)

Genes: ZFHX3 (zinc finger homeobox 3; minus strand), ZFHX3-AS1 (ZFHX3 antisense RNA 1; plus strand). Cytogenetic location: 16q22.2.
Variant type: Microsatellite.
Coding change: c.5194CAA[9] on transcript NM_006885.4 (MANE Select); nine copies in a row of the 3-base unit CAA starting at c.5194; the reference has ten copies in a row; one copy, 3 bases deleted.
Protein change: p.Gln1741del; deletes glutamine 1741.
Molecular consequence: inframe deletion.
Genome position (GRCh38, 1-based): chr16:72,797,459-72,797,461, TTG deleted on the plus strand (CAA on the coding strand, the reverse complement: ZFHX3 is on the minus strand); deleting any 3 consecutive bases within chr16:72,797,459-72,797,488 gives the same sequence; the position shown is the placement nearest the transcript's 3' end. VCF-style (leftmost placement, unchanged base first): chr16-72797458-CTTG-C. GRCh37 (hg19) VCF-style: chr16-72831357-CTTG-C.
Other names: c.2452CAA[9], p.Gln827del (NM_001164766.2); c.5194CAA[9], p.Gln1741del (NM_001386735.1); c.5221_5223delCAA (NM_006885.3); short protein forms Q1741del, Q827del.
Identifiers: ClinVar variation 3057168 (VCV003057168.2), dbSNP rs34918837, ClinGen allele CA8163637.